The following is an entry in ClinVar:

ClinVar aggregate classification (germline): Uncertain significance (1 of 4 stars; one submission).

Submission:

Labcorp Genetics (formerly Invitae), Labcorp
Classification: Uncertain significance. Last evaluated: 2023-08-10. Review status: criteria provided, single submitter. Criteria: Invitae Variant Classification Sherloc (09022015). Collection method: clinical testing. Allele origin: germline.
Comment: In summary, the available evidence is currently insufficient to determine the role of this variant in disease. Therefore, it has been classified as a Variant of Uncertain Significance. Advanced modeling of protein sequence and biophysical properties (such as structural, functional, and spatial information, amino acid conservation, physicochemical variation, residue mobility, and thermodynamic stability) has been performed at Invitae for this missense variant, however the output from this modeling did not meet the statistical confidence thresholds required to predict the impact of this variant on EYS protein function. ClinVar contains an entry for this variant (Variation ID: 1973373). This variant has not been reported in the literature in individuals affected with EYS-related conditions. This variant is not present in population databases (gnomAD no frequency). This sequence change replaces valine, which is neutral and non-polar, with alanine, which is neutral and non-polar, at codon 2804 of the EYS protein (p.Val2804Ala).

NM_001142800.2(EYS):c.8411T>C (p.Val2804Ala)

Genes: EYS (EGF-like photoreceptor maintenance factor; minus strand), PHF3 (PHD finger protein 3; plus strand). Cytogenetic location: 6q12.
Variant type: single nucleotide variant.
Coding change: c.8411T>C on transcript NM_001142800.2 (MANE Select); coding-DNA position 8411, T replaced by C.
Protein change: p.Val2804Ala; replaces valine 2804 with alanine.
Molecular consequence: missense variant. On other transcripts: 3 prime UTR variant (5).
Genome position (GRCh38, 1-based): chr6:63,721,620, A>G on the plus strand (T>C on the coding strand, the complement: EYS is on the minus strand). VCF-style: chr6-63721620-A-G. GRCh37 (hg19) VCF-style: chr6-64431516-A-G.
Other names: c.8474T>C, p.Val2825Ala (NM_001292009.2); c.*7912A>G (NM_001290259.2, NM_001370348.2, NM_001370349.2 and 2 more transcripts); short protein forms V2804A, V2825A.
Identifiers: ClinVar variation 1973373 (VCV001973373.5), dbSNP rs1768395203, ClinGen allele CA364384949.